The following is an entry in ClinVar:

NM_133497.4(KCNV2):c.1091A>G (p.Gln364Arg)

Gene: KCNV2 (potassium voltage-gated channel modifier subfamily V member 2; plus strand). Cytogenetic location: 9p24.2.
Variant type: single nucleotide variant.
Coding change: c.1091A>G on transcript NM_133497.4 (MANE Select); coding-DNA position 1091, A replaced by G.
Protein change: p.Gln364Arg; replaces glutamine 364 with arginine.
Molecular consequence: missense variant.
Genome position (GRCh38, 1-based): chr9:2,718,830, A>G. VCF-style: chr9-2718830-A-G. GRCh37 (hg19) VCF-style: chr9-2718830-A-G.
Other names: short protein forms Q364R.
Identifiers: ClinVar variation 1059303 (VCV001059303.9), dbSNP rs200266207, ClinGen allele CA4965762.

ClinVar aggregate classification (germline): Uncertain significance (1 of 4 stars; one submission).

Allele frequency attached by ClinVar (database versions not stated): gnomAD exomes 0.00001; ExAC 0.00001; gnomAD 0.00001; TOPMed 0.00002.

Submission:

Labcorp Genetics (formerly Invitae), Labcorp
Classification: Uncertain significance. Last evaluated: 2022-06-26. Review status: criteria provided, single submitter. Criteria: Invitae Variant Classification Sherloc (09022015). Collection method: clinical testing. Allele origin: germline.
Comment: Advanced modeling of protein sequence and biophysical properties (such as structural, functional, and spatial information, amino acid conservation, physicochemical variation, residue mobility, and thermodynamic stability) performed at Invitae indicates that this missense variant is not expected to disrupt KCNV2 protein function. ClinVar contains an entry for this variant (Variation ID: 1059303). This variant has not been reported in the literature in individuals affected with KCNV2-related conditions. This variant is present in population databases (rs200266207, gnomAD 0.007%). This sequence change replaces glutamine, which is neutral and polar, with arginine, which is basic and polar, at codon 364 of the KCNV2 protein (p.Gln364Arg). In summary, the available evidence is currently insufficient to determine the role of this variant in disease. Therefore, it has been classified as a Variant of Uncertain Significance.